The following is an entry in ClinVar:

NM_001243133.2(NLRP3):c.1333del (p.Leu445fs)

Gene: NLRP3 (NLR family pyrin domain containing 3; plus strand). Cytogenetic location: 1q44.
Variant type: Deletion.
Coding change: c.1333del on transcript NM_001243133.2 (MANE Select); coding-DNA position 1333, one base deleted (C; older notation c.1333delC).
Protein change: p.Leu445fs; shifts the reading frame from leucine 445.
Molecular consequence: frameshift variant.
Genome position (GRCh38, 1-based): chr1:247,424,782, C deleted; the last of 2 consecutive C bases (chr1:247,424,781-247,424,782); deleting either gives the same sequence. VCF-style (leftmost placement, unchanged base first): chr1-247424780-TC-T. GRCh37 (hg19) VCF-style: chr1-247588082-TC-T.
Other names: c.1333del, p.Leu445fs (NM_001079821.3, NM_001127461.3, NM_001127462.3 and 1 more transcripts); c.1339del, p.Leu447fs (NM_004895.5); short protein forms L445fs, L447fs.
Identifiers: ClinVar variation 2770339 (VCV002770339.8), dbSNP rs2527268929, ClinGen allele CA2697547784.

ClinVar aggregate classification (germline): Uncertain significance. Review status: criteria provided, multiple submitters, no conflicts (2 of 4 stars). 2 submissions from 2 submitters: Uncertain significance (2). Last evaluated 2025-12-01.

Conditions:
Cryopyrin associated periodic syndrome (CAPS). Identifiers: Orphanet 208650, MedGen C2316212, MONDO:0016168.

Submissions (2):

CeGaT Center for Human Genetics Tuebingen
Classification: Uncertain significance. Last evaluated: 2025-12-01. Review status: criteria provided, single submitter. Criteria: CeGaT Center For Human Genetics Tuebingen Variant Classification Criteria Version 2. Collection method: clinical testing. Allele origin: germline. Affected: yes. Observed: 1 variant allele.
Comment: NLRP3: PM2

Labcorp Genetics (formerly Invitae), Labcorp
Classification: Uncertain significance for Cryopyrin associated periodic syndrome. Last evaluated: 2023-10-20. Review status: criteria provided, single submitter. Criteria: Invitae Variant Classification Sherloc (09022015). Collection method: clinical testing. Allele origin: germline.
Comment: This sequence change creates a premature translational stop signal (p.Leu447Phefs*57) in the NLRP3 gene. It is expected to result in an absent or disrupted protein product. However, the current clinical and genetic evidence is not sufficient to establish whether loss-of-function variants in NLRP3 cause disease. This variant is not present in population databases (gnomAD no frequency). This variant has not been reported in the literature in individuals affected with NLRP3-related conditions. In summary, the available evidence is currently insufficient to determine the role of this variant in disease. Therefore, it has been classified as a Variant of Uncertain Significance.